The following is an entry in ClinVar:

ClinVar aggregate classification (germline): Benign. Review status: criteria provided, multiple submitters, no conflicts (2 of 4 stars). 3 submissions from 3 submitters: Benign (3). Last evaluated 2018-06-29.

Conditions:
Glycogen storage disease, type I. Identifiers: Orphanet 364, MedGen C0017920, MONDO:0002413.

Allele frequency attached by ClinVar (database versions not stated): TOPMed 0.50214; gnomAD 0.50768 and 0.51177; 1000 Genomes Project 30x 0.57058; 1000 Genomes Project 0.58027; gnomAD exomes 0.72727.

Submissions (3):

GeneDx
Classification: Benign. Last evaluated: 2018-06-29. Review status: criteria provided, single submitter. Criteria: GeneDx Variant Classification Process June 2021. Collection method: clinical testing. Allele origin: germline. Affected: yes.

Illumina Laboratory Services, Illumina
Classification: Benign for Glycogen storage disease, type I. Last evaluated: 2018-01-12. Review status: criteria provided, single submitter. Criteria: ICSL Variant Classification Criteria 13 December 2019. Collection method: clinical testing. Allele origin: germline.
Comment: This variant was observed in the ICSL laboratory as part of a predisposition screen in an ostensibly healthy population. It had not been previously curated by ICSL or reported in the Human Gene Mutation Database (HGMD: prior to June 1st, 2018), and was therefore a candidate for classification through an automated scoring system. Utilizing variant allele frequency, disease prevalence and penetrance estimates, and inheritance mode, an automated score was calculated to assess if this variant is too frequent to cause the disease. Based on the score and internal cut-off values, a variant classified as benign is not then subjected to further curation. The score for this variant resulted in a classification of benign for this disease.

Breakthrough Genomics
Classification: Benign. Review status: criteria provided, single submitter. Criteria: ACMG Guidelines, 2015. Collection method: not provided. Allele origin: germline. Inheritance: Autosomal recessive inheritance. Affected: yes.

NM_001164277.1(SLC37A4):c.-755T>A

Gene: SLC37A4 (solute carrier family 37 member 4; minus strand). Cytogenetic location: 11q23.3.
Variant type: single nucleotide variant.
Coding change: c.-755T>A on transcript NM_001164277.1; 755 bases upstream of the start codon, T replaced by A.
Genome position (GRCh38, 1-based): chr11:119,030,904, A>T on the plus strand (T>A on the coding strand, the complement: SLC37A4 is on the minus strand). VCF-style: chr11-119030904-A-T. GRCh37 (hg19) VCF-style: chr11-118901614-A-T.
Identifiers: ClinVar variation 302722 (VCV000302722.10), dbSNP rs1784559, ClinGen allele CA10637339.